The following is an entry in ClinVar:

ClinVar aggregate classification (germline): Uncertain significance (1 of 4 stars; one submission).

Conditions:
Epilepsy. Also called: Seizure disorder. Identifiers: MedGen C0014544, MeSH D004827, MONDO:0005027.

Allele frequency attached by ClinVar (database versions not stated): gnomAD exomes below 0.00001; TOPMed 0.00001.
gnomAD v4.1: 4 of 1,613,110 alleles (0.00025%); highest among the groups gnomAD compares: Admixed American, 0.0017%; no homozygotes.

Submission:

Labcorp Genetics (formerly Invitae), Labcorp
Classification: Uncertain significance for Epilepsy. Last evaluated: 2024-05-15. Review status: criteria provided, single submitter. Criteria: Invitae Variant Classification Sherloc (09022015). Collection method: clinical testing. Allele origin: germline.
Comment: This sequence change replaces glycine, which is neutral and non-polar, with glutamic acid, which is acidic and polar, at codon 577 of the PIGQ protein (p.Gly577Glu). This variant is not present in population databases (gnomAD no frequency). This variant has not been reported in the literature in individuals affected with PIGQ-related conditions. ClinVar contains an entry for this variant (Variation ID: 571132). Algorithms developed to predict the effect of missense changes on protein structure and function output the following: SIFT: "Not Available"; PolyPhen-2: "Benign"; Align-GVGD: "Not Available". The glutamic acid amino acid residue is found in multiple mammalian species, which suggests that this missense change does not adversely affect protein function. In summary, the available evidence is currently insufficient to determine the role of this variant in disease. Therefore, it has been classified as a Variant of Uncertain Significance.

NM_004204.5(PIGQ):c.1730G>A (p.Gly577Glu)

Gene: PIGQ (phosphatidylinositol glycan anchor biosynthesis class Q; plus strand). Cytogenetic location: 16p13.3.
Variant type: single nucleotide variant.
Coding change: c.1730G>A on transcript NM_004204.5 (MANE Select); coding-DNA position 1730, G replaced by A.
Protein change: p.Gly577Glu; replaces glycine 577 with glutamic acid.
Molecular consequence: missense variant. On other transcripts: synonymous variant (1).
Genome position (GRCh38, 1-based): chr16:583,019, G>A. VCF-style: chr16-583019-G-A. GRCh37 (hg19) VCF-style: chr16-633019-G-A.
Other names: c.1668G>A, p.Arg556= (NM_148920.4); short protein forms G577E.
Identifiers: ClinVar variation 571132 (VCV000571132.8), dbSNP rs1567178400, ClinGen allele CA394062058.
Genomic context (GRCh38, chr16:583,019, plus strand): 5'-GGGGCGCCCTGTGCCGCAAGCTGTTCCTTGGGGAGCTCATCTACCCCTGGAGGCAGAGAG[G>A]GGACAAGCAGGACTGAGGGAACTGCTGGCTCGCCTGGCACCACCACACGGCCACAGCCAG-3'
Protein context (NP_004195.2, residues 567-581): GELIYPWRQR[Gly577Glu]DKQD